The following is an entry in ClinVar:

NM_018249.6(CDK5RAP2):c.5308-6G>A

Gene: CDK5RAP2 (CDK5 regulatory subunit associated protein 2; minus strand). Cytogenetic location: 9q33.2.
Variant type: single nucleotide variant.
Coding change: c.5308-6G>A on transcript NM_018249.6 (MANE Select); 6 bases into the intron before coding-DNA position 5308, G replaced by A.
Molecular consequence: intron variant.
Genome position (GRCh38, 1-based): chr9:120,400,891, C>T on the plus strand (G>A on the coding strand, the complement: CDK5RAP2 is on the minus strand). VCF-style: chr9-120400891-C-T. GRCh37 (hg19) VCF-style: chr9-123163169-C-T.
Other names: c.4618-6G>A (NM_001272039.2); c.5071-6G>A (NM_001011649.3).
Identifiers: ClinVar variation 1695262 (VCV001695262.31), dbSNP rs147693474, ClinGen allele CA5213302.
Genomic context (GRCh38, chr9:120,400,891, plus strand): 5'-GCTTGGCCGTGCTCACACTGCTCACAAACTTGCTCAGTGGTGCTGGGTGTGGACCCTACA[C>T]GGGGGATATGAAGGCTGTTACGTGCAGTCTTGAAAAAGATTTTAGACAAGCAAGCCTTAA-3'

ClinVar aggregate classification (germline): Likely benign (1 of 4 stars; one submission).

gnomAD v4.1: 28 of 1,613,932 alleles (0.0017%); highest among the groups gnomAD compares: African/African-American, 0.0027%; no homozygotes.

Submission:

CeGaT Center for Human Genetics Tuebingen
Classification: Likely benign. Last evaluated: 2022-05-01. Review status: criteria provided, single submitter. Criteria: CeGaT Center For Human Genetics Tuebingen Variant Classification Criteria Version 2. Collection method: clinical testing. Allele origin: germline. Affected: yes. Observed: 1 variant allele.
Comment: CDK5RAP2: BP4